The following is an entry in ClinVar:

ClinVar aggregate classification (germline): Uncertain significance. Review status: criteria provided, multiple submitters, no conflicts (2 of 4 stars). 2 submissions from 2 submitters: Uncertain significance (2). Last evaluated 2026-03-18.

Conditions:
EPILEPSY, CHILDHOOD ABSENCE, SUSCEPTIBILITY TO, 2 (ECA2). Identifiers: Orphanet 64280, MedGen C1843244, OMIM 607681.
Febrile seizures, familial, 8 (FEB8). Also called: CONVULSIONS, FAMILIAL FEBRILE, 8. Identifiers: Orphanet 36387, MedGen C1969810, MONDO:0011891, OMIM 607681.

Submissions (2):

Institute of Human Genetics, University of Leipzig Medical Center
Classification: Uncertain significance for Febrile seizures, familial, 8. Last evaluated: 2026-03-18. Review status: criteria provided, single submitter. Criteria: ACMG Guidelines, 2015. Collection method: clinical testing. Allele origin: unknown. Inheritance: Autosomal dominant inheritance. Affected: yes.
Comment: Criteria applied: PM2,PM1_SUP,PP2

Labcorp Genetics (formerly Invitae), Labcorp
Classification: Uncertain significance for Febrile seizures, familial, 8; EPILEPSY, CHILDHOOD ABSENCE, SUSCEPTIBILITY TO, 2. Last evaluated: 2020-02-10. Review status: criteria provided, single submitter. Criteria: Invitae Variant Classification Sherloc (09022015). Collection method: clinical testing. Allele origin: germline.
Comment: In summary, this variant has uncertain impact on GABRG2 function. The available evidence is currently insufficient to determine its role in disease. Therefore, it has been classified as a Variant of Uncertain Significance. Algorithms developed to predict the effect of missense changes on protein structure and function do not agree on the potential impact of this missense change (SIFT: "Tolerated"; PolyPhen-2: "Probably Damaging"; Align-GVGD: "Class C15"). This variant has not been reported in the literature in individuals with a GABRG2-related disease. This variant is not present in population databases (ExAC no frequency). This sequence change replaces tyrosine with cysteine at codon 122 of the GABRG2 protein (p.Tyr122Cys). The tyrosine residue is moderately conserved and there is a large physicochemical difference between tyrosine and cysteine.

NM_198904.4(GABRG2):c.365A>G (p.Tyr122Cys)

Gene: GABRG2 (gamma-aminobutyric acid type A receptor subunit gamma2; plus strand). Cytogenetic location: 5q34.
Variant type: single nucleotide variant.
Coding change: c.365A>G on transcript NM_198904.4 (MANE Select); coding-DNA position 365, A replaced by G.
Protein change: p.Tyr122Cys; replaces tyrosine 122 with cysteine.
Molecular consequence: missense variant. On other transcripts: intron variant (2).
Genome position (GRCh38, 1-based): chr5:162,097,675, A>G. VCF-style: chr5-162097675-A-G. GRCh37 (hg19) VCF-style: chr5-161524681-A-G.
Other names: c.365A>G, p.Tyr122Cys (NM_000816.3, NM_001375340.1, NM_001375341.1 and 4 more transcripts); c.356A>G, p.Tyr119Cys (NM_001375339.1); c.299A>G, p.Tyr100Cys (NM_001375345.1, NM_001375346.1); c.278A>G, p.Tyr93Cys (NM_001375347.1); c.80A>G, p.Tyr27Cys (NM_001375349.1); c.-31-25A>G (NM_001375350.1, NM_001375348.1); short protein forms Y122C, Y100C, Y119C, Y27C, Y93C.
Identifiers: ClinVar variation 468866 (VCV000468866.11), dbSNP rs1554097875, ClinGen allele CA362183831.
Genomic context (GRCh38, chr5:162,097,675, plus strand): 5'-TGTTTATCATTTTATTAAAACAGGAATACACTATTGATATATTTTTTGCGCAAACGTGGT[A>G]TGACAGACGTTTGAAATTTAACAGCACCATTAAAGTCCTCCGATTGAACAGCAACATGGT-3'
Protein context (NP_944494.1, residues 112-132): TIDIFFAQTW[Tyr122Cys]DRRLKFNSTI